The following is an entry in ClinVar:

ClinVar aggregate classification (germline): Pathogenic (1 of 4 stars; one submission).

Conditions:
Breast-ovarian cancer, familial, susceptibility to, 2 (BROVCA2). Also called: BRCA2 Hereditary Breast and Ovarian Cancer. Identifiers: Orphanet 145, MedGen C2675520, MONDO:0012933, OMIM 612555. Disease mechanism: loss of function.

Submission:

Institute of Human Genetics, University of Leipzig Medical Center
Classification: Pathogenic for Breast-ovarian cancer, familial, susceptibility to, 2. Last evaluated: 2026-02-09. Review status: criteria provided, single submitter. Criteria: ACMG Guidelines, 2015. Collection method: clinical testing. Allele origin: unknown. Inheritance: Autosomal dominant inheritance. Affected: yes.
Comment: Criteria applied: PVS1,PM5_STR,PM2_SUP

NM_000059.4(BRCA2):c.2135dup (p.Gln713fs)

Gene: BRCA2 (BRCA2 DNA repair associated; plus strand). Cytogenetic location: 13q13.1.
Variant type: Duplication.
Coding change: c.2135dup on transcript NM_000059.4 (MANE Select); coding-DNA position 2135, one base duplicated (T; older notation c.2135dupT).
Protein change: p.Gln713fs; shifts the reading frame from glutamine 713.
Molecular consequence: frameshift variant. On other transcripts: non-coding transcript variant (1), intron variant (2).
Genome position (GRCh38, 1-based): chr13:32,336,490, T duplicated. VCF-style (leftmost placement, unchanged base first): chr13-32336489-C-CT. GRCh37 (hg19) VCF-style: chr13-32910626-C-CT.
Other names: c.2135dup, p.Gln713fs (NM_001406719.1, NM_001406720.1, NM_001432077.1); c.1909+3103dup (NM_001406721.1); c.424+5460dup (NM_001406722.1); short protein forms Q713fs.
Identifiers: ClinVar variation 4819157 (VCV004819157.1).
Genomic context (GRCh38, chr13:32,336,489, plus strand): 5'-AAATGTAATAAGGAAAAACTACAGTTATTTATTACCCCAGAAGCTGATTCTCTGTCATGC[C>CT]TGCAGGAAGGACAGTGTGAAAATGATCCAAAAAGCAAAAAAGTTTCAGATATAAAAGAAG-3'